The following is an entry in ClinVar:

NM_001267550.2(TTN):c.91400G>A (p.Arg30467His)

Genes: TTN-AS1 (TTN antisense RNA 1; plus strand), TTN (titin; minus strand). Cytogenetic location: 2q31.2.
Variant type: single nucleotide variant.
Coding change: c.91400G>A on transcript NM_001267550.2 (MANE Select); coding-DNA position 91400, G replaced by A.
Protein change: p.Arg30467His; replaces arginine 30467 with histidine.
Molecular consequence: missense variant.
Genome position (GRCh38, 1-based): chr2:178,551,131, C>T on the plus strand (G>A on the coding strand, the complement: TTN is on the minus strand). VCF-style: chr2-178551131-C-T. GRCh37 (hg19) VCF-style: chr2-179415858-C-T.
Other names: c.86477G>A, p.Arg28826His (NM_001256850.1); c.64205G>A, p.Arg21402His (NM_003319.4); c.83696G>A, p.Arg27899His (NM_133378.4); c.64580G>A, p.Arg21527His (NM_133432.3); c.64781G>A, p.Arg21594His (NM_133437.4); short protein forms R27899H, R30467H, R28826H, R21527H, R21402H, R21594H.
Identifiers: ClinVar variation 499178 (VCV000499178.6), dbSNP rs572793448, ClinGen allele CA1987636.
Genomic context (GRCh38, chr2:178,551,131, plus strand): 5'-CTGAGTCCTGTAACTGTGTACTGACATTCACTGACGTCAGTAAAGTTGCATCTCACCCAG[C>T]GTTCATTTCCTTGCCGTTTCTCAATGCTATAGCCCACAATCTTACTGCCTCCATCACGCA-3'
Protein context (NP_001254479.2, residues 30457-30477): YSIEKRQGNE[Arg30467His]WVRCNFTDVS

ClinVar aggregate classification (germline): Uncertain significance. Review status: criteria provided, multiple submitters, no conflicts (2 of 4 stars). 2 submissions from 2 submitters: Uncertain significance (2). Last evaluated 2026-06-30.

Conditions:
TTN-related disorder. Also called: TTN-related condition; TTN-related disease; TTN-related disorders.

Allele frequency attached by ClinVar (database versions not stated): gnomAD exomes 0.00001 and 0.00002; ExAC 0.00002; TOPMed 0.00007; gnomAD 0.00009; 1000 Genomes Project 30x 0.00016; 1000 Genomes Project 0.00020.
gnomAD v4.1: 22 of 1,613,522 alleles (0.0014%); highest among the groups gnomAD compares: African/African-American, 0.021%; no homozygotes.

Submissions (2):

PreventionGenetics, part of Exact Sciences
Classification: Uncertain significance for TTN-related condition. Last evaluated: 2026-06-30. Review status: criteria provided, single submitter. Criteria: ACMG Guidelines, 2015. Collection method: clinical testing. Allele origin: germline.
Comment: The TTN c.91400G>A variant is predicted to result in the amino acid substitution p.Arg30467His. To our knowledge, this variant has not been reported in the literature. This variant is reported in 0.021% of alleles in individuals of African descent in gnomAD. At this time, the clinical significance of this variant is uncertain due to the absence of conclusive functional and genetic evidence.

Eurofins Ntd Llc (ga)
Classification: Uncertain significance. Last evaluated: 2016-12-20. Review status: criteria provided, single submitter. Criteria: EGL Classification Definitions 2015. Collection method: clinical testing. Allele origin: germline. Observed: 1 variant allele, 1 heterozygote.